The following is an entry in ClinVar:

ClinVar aggregate classification (germline): Likely benign (1 of 4 stars; one submission).

Conditions:
Hereditary retinoblastoma. Identifiers: Orphanet 357027, MedGen C0751483, MONDO:0018160.

gnomAD v4.1: 19 of 1,304,058 alleles (0.0015%); highest among the groups gnomAD compares: African/African-American, 0.012%; no homozygotes.

Submission:

Ramesar Group, Division of Human Genetics, Institute of Infectious Diseases and Molecular Medicine, UCT/MRC Genomic and Precision Medicine Research Unit, University of Cape Town
Classification: Likely benign for Hereditary retinoblastoma. Last evaluated: 2025-09-17. Review status: criteria provided, single submitter. Criteria: ACMG Guidelines, 2015. Collection method: research. Allele origin: germline. Affected: no.
Comment: BP5 - Variant found in a patient with a different retinal disease; RB1 is not associated with the phenotype BP7 - A non-coding variant with no predicted effect on splicing (SpliceAI scores are negligible)

NM_000321.3(RB1):c.2713+64T>C

Gene: RB1 (RB transcriptional corepressor 1; plus strand). Cytogenetic location: 13q14.2.
Variant type: single nucleotide variant.
Coding change: c.2713+64T>C on transcript NM_000321.3 (MANE Select); 64 bases into the intron after coding-DNA position 2713, T replaced by C.
Molecular consequence: intron variant.
Genome position (GRCh38, 1-based): chr13:48,477,468, T>C. VCF-style: chr13-48477468-T-C. GRCh37 (hg19) VCF-style: chr13-49051604-T-C.
Other names: c.2713+64T>C (NM_001407165.1); c.163+64T>C (NM_001407168.1).
Identifiers: ClinVar variation 4759362 (VCV004759362.1), dbSNP rs539563703.